The following is an entry in ClinVar:

ClinVar aggregate classification (germline): Uncertain significance (1 of 4 stars; one submission).

Conditions:
Familial thoracic aortic aneurysm and aortic dissection (TAAD). Also called: Thoracic aortic aneurysms and dissections. Identifiers: Orphanet 91387, MedGen C4707243, MONDO:0019625.

Submission:

Color Diagnostics, LLC DBA Color Health
Classification: Uncertain significance for Familial thoracic aortic aneurysm and aortic dissection. Last evaluated: 2021-11-12. Review status: criteria provided, single submitter. Criteria: ACMG Guidelines, 2015. Collection method: clinical testing. Allele origin: germline.
Comment: This missense variant replaces aspartic acid with valine at codon 330 of the FBN1 protein. Computational prediction suggests that this variant may have deleterious impact on protein structure and function (internally defined REVEL score threshold >= 0.7, PMID: 27666373). To our knowledge, functional studies have not been reported for this variant. This variant has not been reported in individuals affected with cardiovascular disorders in the literature. This variant has not been identified in the general population by the Genome Aggregation Database (gnomAD). The available evidence is insufficient to determine the role of this variant in disease conclusively. Therefore, this variant is classified as a Variant of Uncertain Significance.

NM_000138.5(FBN1):c.989A>T (p.Asp330Val)

Genes: FBN1 (fibrillin 1; minus strand), LOC113939944 (Sharpr-MPRA regulatory region 9539; plus strand). Cytogenetic location: 15q21.1.
Variant type: single nucleotide variant.
Coding change: c.989A>T on transcript NM_000138.5 (MANE Select); coding-DNA position 989, A replaced by T.
Protein change: p.Asp330Val; replaces aspartic acid 330 with valine.
Molecular consequence: missense variant.
Genome position (GRCh38, 1-based): chr15:48,520,817, T>A on the plus strand (A>T on the coding strand, the complement: FBN1 is on the minus strand). VCF-style: chr15-48520817-T-A. GRCh37 (hg19) VCF-style: chr15-48813014-T-A.
Other names: c.989A>T, p.Asp330Val (NM_001406716.1); short protein forms D330V.
Identifiers: ClinVar variation 2773393 (VCV002773393.2), dbSNP rs1447337917, ClinGen allele CA392347937.